The following is an entry in ClinVar:

NM_005629.4(SLC6A8):c.856del (p.Leu286fs)

Gene: SLC6A8 (solute carrier family 6 member 8; plus strand). Cytogenetic location: Xq28.
Variant type: Deletion.
Coding change: c.856del on transcript NM_005629.4 (MANE Select); coding-DNA position 856, one base deleted (C; older notation c.856delC).
Protein change: p.Leu286fs; shifts the reading frame from leucine 286.
Molecular consequence: frameshift variant.
Genome position (GRCh38, 1-based): chrX:153,693,119, C deleted; the last of 3 consecutive C bases (chrX:153,693,117-153,693,119); deleting any one gives the same sequence. VCF-style (leftmost placement, unchanged base first): chrX-153693116-GC-G. GRCh37 (hg19) VCF-style: chrX-152958571-GC-G.
Other names: NM_001142805.2:c.856del; c.856del, p.Leu286fs (NM_001142805.2); c.511del, p.Leu171fs (NM_001142806.1); short protein forms L171fs, L286fs.
Identifiers: ClinVar variation 2446447 (VCV002446447.2), dbSNP rs2522162048, ClinGen allele CA2573334475.

ClinVar aggregate classification (germline): Pathogenic (3 of 4 stars; one submission).

Conditions:
Creatine transporter deficiency (CCDS1). Also called: Mental retardation , X-linked with seizures, short stature and midface hypoplasia; Mental retardation , X-linked, with creatine transport deficiency; X-linked creatine transporter deficiency; X-linked creatine deficiency syndrome; SLC6A8-Related Creatine Transporter Deficiency; CREATINE TRANSPORTER DEFECT. Identifiers: Orphanet 52503, MedGen C1845862, MONDO:0010305, OMIM 300352.

Submission:

ClinGen Cerebral Creatine Deficiency Syndromes Variant Curation Expert Panel, ClinGen
Classification: Pathogenic for Creatine transporter deficiency. Last evaluated: 2024-02-10. Review status: reviewed by expert panel. Criteria: ClinGen_CCDS_ACMG_Specifications_SLC6A8_v1.1. Collection method: curation. Allele origin: germline. Inheritance: X-linked inheritance.
Comment: The NM_005629.4:c.856del (p.Leu286TrpfsTer22) variant in SLC6A8 is a frameshift variant predicted to cause a premature stop codon, leading to nonsense mediated decay in a gene in which loss-of-function is an established disease mechanism (PVS1). This variant is absent in gnomAD v2.1.1. (PM2_Supporting). In summary, this variant meets the criteria to be classified as pathogenic for creatine transporter deficiency. SLC6A8-specific ACMG/AMP criteria met, as specified by the ClinGen CCDS VCEP (Specifications Version 1.1.0): PVS1, PP4, PM2_Supporting. (Classification approved by the ClinGen CCDS VCEP on March 9, 2023)